The following is an entry in ClinVar:

ClinVar aggregate classification (germline): Uncertain significance (1 of 4 stars; one submission).

Conditions:
Hereditary sensory and autonomic neuropathy type 1 (HSAN1). Also called: HSAN 1; HSN Type I; Hereditary Sensory Neuropathy Type I. Identifiers: Orphanet 36386, MedGen C0020071, MONDO:0018213.

Allele frequency attached by ClinVar (database versions not stated): gnomAD 0.00001; gnomAD exomes below 0.00001; TOPMed below 0.00001.
gnomAD v4.1: 2 of 1,610,590 alleles (0.00012%); highest among the groups gnomAD compares: Non-Finnish European, 0.00017%; no homozygotes.

Submission:

Labcorp Genetics (formerly Invitae), Labcorp
Classification: Uncertain significance for Hereditary sensory and autonomic neuropathy type 1. Last evaluated: 2026-01-27. Review status: criteria provided, single submitter. Criteria: Invitae Variant Classification Sherloc (09022015). Collection method: clinical testing. Allele origin: germline.
Comment: This sequence change replaces serine, which is neutral and polar, with proline, which is neutral and non-polar, at codon 322 of the SPTLC1 protein (p.Ser322Pro). This variant is present in population databases (rs201514833, gnomAD 0.007%). This variant has not been reported in the literature in individuals affected with SPTLC1-related conditions. ClinVar contains an entry for this variant (Variation ID: 2886648). Invitae Evidence Modeling of protein sequence and biophysical properties (such as structural, functional, and spatial information, amino acid conservation, physicochemical variation, residue mobility, and thermodynamic stability) indicates that this missense variant is not expected to disrupt SPTLC1 protein function with a negative predictive value of 80%. In summary, the available evidence is currently insufficient to determine the role of this variant in disease. Therefore, it has been classified as a Variant of Uncertain Significance.

NM_006415.4(SPTLC1):c.964T>C (p.Ser322Pro)

Gene: SPTLC1 (serine palmitoyltransferase long chain base subunit 1; minus strand). Cytogenetic location: 9q22.31.
Variant type: single nucleotide variant.
Coding change: c.964T>C on transcript NM_006415.4 (MANE Select); coding-DNA position 964, T replaced by C.
Protein change: p.Ser322Pro; replaces serine 322 with proline.
Molecular consequence: missense variant.
Genome position (GRCh38, 1-based): chr9:92,047,633, A>G on the plus strand (T>C on the coding strand, the complement: SPTLC1 is on the minus strand). VCF-style: chr9-92047633-A-G. GRCh37 (hg19) VCF-style: chr9-94809915-A-G.
Other names: c.964T>C, p.Ser322Pro (NM_001281303.2); c.598T>C, p.Ser200Pro (NM_001368272.1); c.499T>C, p.Ser167Pro (NM_001368273.1); short protein forms S167P, S322P, S200P.
Identifiers: ClinVar variation 2886648 (VCV002886648.3), dbSNP rs201514833, ClinGen allele CA5121372.
Genomic context (GRCh38, chr9:92,047,633, plus strand): 5'-TTAGTTTCAGTTTTAGCTCCTGTTTTTAAAAAGAACCCACCTGATGGTCAATTACAAAAG[A>G]CCTGCCACAGCAGAAACCTCCAATAGAAGCAAGTGCATTCTCCATGTTGGCACTGATAAG-3'
Protein context (NP_006406.1, residues 312-332): ASIGGFCCGR[Ser322Pro]FVIDHQRLSG